The following is an entry in ClinVar:

NM_012213.3(MLYCD):c.206C>T (p.Ala69Val)

Gene: MLYCD (malonyl-CoA decarboxylase; plus strand). Cytogenetic location: 16q23.3.
Variant type: single nucleotide variant.
Coding change: c.206C>T on transcript NM_012213.3 (MANE Select); coding-DNA position 206, C replaced by T.
Protein change: p.Ala69Val; replaces alanine 69 with valine.
Molecular consequence: missense variant.
Genome position (GRCh38, 1-based): chr16:83,899,350, C>T. VCF-style: chr16-83899350-C-T. GRCh37 (hg19) VCF-style: chr16-83932955-C-T.
Other names: short protein forms A69V.
Identifiers: ClinVar variation 252676 (VCV000252676.30), dbSNP rs200579941, ClinGen allele CA8197181.

ClinVar aggregate classification (germline): Benign/Likely benign. Review status: criteria provided, multiple submitters, no conflicts (2 of 4 stars). 9 submissions from 9 submitters: Benign (3); Likely benign (5). 1 of the submissions does not count toward it. Last evaluated 2026-05-01.

Conditions:
MLYCD-related disorder. Also called: MLYCD-related condition.
Deficiency of malonyl-CoA decarboxylase. Also called: Malonic aciduria; MCD deficiency. Identifiers: Orphanet 943, MedGen C0342793, MONDO:0009556, OMIM 248360.

Allele frequency attached by ClinVar (database versions not stated): 1000 Genomes Project 30x 0.00078; 1000 Genomes Project 0.00080; gnomAD 0.00277 and 0.00284; TOPMed 0.00307; ESP Exome Variant Server 0.00316; gnomAD exomes 0.00374; ExAC 0.00747.
gnomAD v4.1: 5,032 of 1,522,958 alleles (0.33%); highest among the groups gnomAD compares: Middle Eastern, 0.47%; 20 homozygotes.

Submissions (9):

CeGaT Center for Human Genetics Tuebingen
Classification: Likely benign. Last evaluated: 2026-05-01. Review status: criteria provided, single submitter. Criteria: CeGaT Center For Human Genetics Tuebingen Variant Classification Criteria Version 2. Collection method: clinical testing. Allele origin: germline. Affected: yes. Observed: 2 variant alleles.
Comment: MLYCD: PP2, PP3, BS1, BS2

Labcorp Genetics (formerly Invitae), Labcorp
Classification: Benign for Deficiency of malonyl-CoA decarboxylase. Last evaluated: 2026-01-28. Review status: criteria provided, single submitter. Criteria: Invitae Variant Classification Sherloc (09022015). Collection method: clinical testing. Allele origin: germline.

ARUP Laboratories, Molecular Genetics and Genomics, ARUP Laboratories
Classification: Likely benign for Deficiency of malonyl-CoA decarboxylase. Last evaluated: 2024-04-02. Review status: criteria provided, single submitter. Criteria: ARUP Molecular Germline Variant Investigation Process 2024. Collection method: clinical testing. Allele origin: germline.

Mendelics
Classification: Benign for Deficiency of malonyl-CoA decarboxylase. Last evaluated: 2019-05-28. Review status: criteria provided, single submitter. Criteria: Mendelics Assertion Criteria 2017. Collection method: clinical testing. Allele origin: unknown.

GeneDx
Classification: Likely benign. Last evaluated: 2018-06-21. Review status: criteria provided, single submitter. Criteria: GeneDx Variant Classification Process June 2021. Collection method: clinical testing. Allele origin: germline. Affected: yes.
Comment: This variant is associated with the following publications: (PMID: 23791943, 22104738, 12955715, 29625556)

Illumina Laboratory Services, Illumina
Classification: Likely benign for Deficiency of malonyl-CoA decarboxylase. Last evaluated: 2017-04-27. Review status: criteria provided, single submitter. Criteria: ICSL Variant Classification Criteria 13 December 2019. Collection method: clinical testing. Allele origin: germline.
Comment: This variant was observed as part of a predisposition screen in an ostensibly healthy population. A literature search was performed for the gene, cDNA change, and amino acid change (where applicable). Publications were found based on this search. The evidence from the literature, in combination with allele frequency data from public databases where available, was sufficient to determine this variant is unlikely to cause disease. Therefore, this variant is classified as likely benign.

Genomic Diagnostic Laboratory, Division of Genomic Diagnostics, Children's Hospital of Philadelphia
Classification: Benign. Last evaluated: 2015-08-24. Review status: criteria provided, single submitter. Criteria: DGD Variant Analysis Guidelines. Collection method: clinical testing. Allele origin: unknown.

Breakthrough Genomics
Classification: Likely benign. Review status: criteria provided, single submitter. Criteria: ACMG Guidelines, 2015. Collection method: not provided. Allele origin: germline. Inheritance: Autosomal recessive inheritance. Affected: yes.

PreventionGenetics, part of Exact Sciences
Classification: Benign for MLYCD-related condition. Last evaluated: 2020-04-17. Review status: no assertion criteria provided. Collection method: clinical testing. Allele origin: germline. Not counted in ClinVar's aggregate classification.
Comment: This variant is classified as benign based on ACMG/AMP sequence variant interpretation guidelines (Richards et al. 2015 PMID: 25741868, with internal and published modifications).

Literature cited by the submitters: PubMed 12955715 (cited by Illumina Laboratory Services, Illumina).